The following is an entry in ClinVar:

NM_001363118.2(SLC52A2):c.1075C>G (p.Leu359Val)

Gene: SLC52A2 (solute carrier family 52 member 2; plus strand). Cytogenetic location: 8q24.3.
Variant type: single nucleotide variant.
Coding change: c.1075C>G on transcript NM_001363118.2 (MANE Select); coding-DNA position 1075, C replaced by G.
Protein change: p.Leu359Val; replaces leucine 359 with valine.
Molecular consequence: missense variant. On other transcripts: non-coding transcript variant (1).
Genome position (GRCh38, 1-based): chr8:144,360,663, C>G. VCF-style: chr8-144360663-C-G. GRCh37 (hg19) VCF-style: chr8-145584323-C-G.
Other names: c.1075C>G, p.Leu359Val (NM_001253815.2, NM_001253816.2, NM_001363120.2 and 2 more transcripts); c.583C>G, p.Leu195Val (NM_001363122.2); c.811C>G, p.Leu271Val (NM_001410949.1); short protein forms L271V, L195V, L359V.
Identifiers: ClinVar variation 2032288 (VCV002032288.4), dbSNP rs1208675754, ClinGen allele CA372629057.

ClinVar aggregate classification (germline): Uncertain significance (1 of 4 stars; one submission).

Conditions:
Brown-Vialetto-van Laere syndrome 2. Also called: SPINOCEREBELLAR ATAXIA WITH BLINDNESS AND DEAFNESS 2; Riboflavin transporter deficiency type 2. Identifiers: Orphanet 572543, Orphanet 97229, MedGen C3553538, MONDO:0013867, OMIM 614707.

Allele frequency attached by ClinVar (database versions not stated): gnomAD exomes below 0.00001.
gnomAD v4.1: 2 of 1,604,860 alleles (0.00012%); highest among the groups gnomAD compares: Non-Finnish European, 0.00017%; no homozygotes.

Submission:

Labcorp Genetics (formerly Invitae), Labcorp
Classification: Uncertain significance for Brown-Vialetto-van Laere syndrome 2. Last evaluated: 2024-02-24. Review status: criteria provided, single submitter. Criteria: Invitae Variant Classification Sherloc (09022015). Collection method: clinical testing. Allele origin: germline.
Comment: This sequence change replaces leucine, which is neutral and non-polar, with valine, which is neutral and non-polar, at codon 359 of the SLC52A2 protein (p.Leu359Val). This variant is not present in population databases (gnomAD no frequency). This variant has not been reported in the literature in individuals affected with SLC52A2-related conditions. ClinVar contains an entry for this variant (Variation ID: 2032288). Advanced modeling of protein sequence and biophysical properties (such as structural, functional, and spatial information, amino acid conservation, physicochemical variation, residue mobility, and thermodynamic stability) performed at Invitae indicates that this missense variant is not expected to disrupt SLC52A2 protein function with a negative predictive value of 80%. In summary, the available evidence is currently insufficient to determine the role of this variant in disease. Therefore, it has been classified as a Variant of Uncertain Significance.